The following is an entry in ClinVar:

NM_033031.3(CCNB3):c.4092-6T>C

Gene: CCNB3 (cyclin B3; plus strand). Cytogenetic location: Xp11.22.
Variant type: single nucleotide variant.
Coding change: c.4092-6T>C on transcript NM_033031.3 (MANE Select); 6 bases into the intron before coding-DNA position 4092, T replaced by C.
Molecular consequence: intron variant.
Genome position (GRCh38, 1-based): chrX:50,351,601, T>C. VCF-style: chrX-50351601-T-C. GRCh37 (hg19) VCF-style: chrX-50094600-T-C.
Other names: c.780-6T>C (NM_033670.4).
Identifiers: ClinVar variation 2660549 (VCV002660549.24), dbSNP rs375444933, ClinGen allele CA10414938.
Genomic context (GRCh38, chrX:50,351,601, plus strand): 5'-TTGTTCCATAGAGCATGATTGTATTTGCCCTATTCTATGCTGAGGAGACCCCTCTTCCTT[T>C]TGCAGGGTCTTCTTTGAAGTCGCCAAAATCCCTGCCTTGGATATGTTGAAGCTGGAGGAG-3'

ClinVar aggregate classification (germline): Likely benign (1 of 4 stars; one submission).

Allele frequency attached by ClinVar (database versions not stated): gnomAD exomes 0.00010; ExAC 0.00011; gnomAD 0.00012; TOPMed 0.00013; ESP Exome Variant Server 0.00019.
gnomAD v4.1: 120 of 1,203,952 alleles (0.01%); highest among the groups gnomAD compares: Middle Eastern, 0.12%; no homozygotes.

Submission:

CeGaT Center for Human Genetics Tuebingen
Classification: Likely benign. Last evaluated: 2023-03-01. Review status: criteria provided, single submitter. Criteria: CeGaT Center For Human Genetics Tuebingen Variant Classification Criteria Version 2. Collection method: clinical testing. Allele origin: germline. Affected: yes. Observed: 1 variant allele.
Comment: CCNB3: BP4, BS2